The following is an entry in ClinVar:

ClinVar aggregate classification (germline): Uncertain significance (1 of 4 stars; one submission).

Conditions:
Autosomal recessive juvenile Parkinson disease 2. Also called: Parkinson disease autosomal recessive, early onset; Juvenile parkinsonism; Parkinsonism, early onset, with diurnal fluctuation; PARKINSON DISEASE, JUVENILE, AUTOSOMAL RECESSIVE; Parkinson disease, juvenile, type 2; PRKN-Related Early-Onset Parkinson Disease. Identifiers: Orphanet 2828, MedGen C1868675, MONDO:0010820, OMIM 600116.

Allele frequency attached by ClinVar (database versions not stated): TOPMed below 0.00001.

Submission:

Illumina Laboratory Services, Illumina
Classification: Uncertain significance for Autosomal recessive juvenile Parkinson disease 2. Last evaluated: 2017-04-27. Review status: criteria provided, single submitter. Criteria: ICSL Variant Classification Criteria 13 December 2019. Collection method: clinical testing. Allele origin: germline.
Comment: This variant was observed as part of a predisposition screen in an ostensibly healthy population. A literature search was performed for the gene, cDNA change, and amino acid change (where applicable). Publications were found based on this search. However, the evidence from the literature, in combination with allele frequency data from public databases where available, was not sufficient to rule this variant in or out of causing disease. Therefore, this variant is classified as a variant of unknown significance.

Literature cited by the submitters: PubMed 18413468.

NM_004562.3(PRKN):c.892A>T (p.Ile298Phe)

Gene: PRKN (parkin RBR E3 ubiquitin protein ligase; minus strand). Cytogenetic location: 6q26.
Variant type: single nucleotide variant.
Coding change: c.892A>T on transcript NM_004562.3 (MANE Select); coding-DNA position 892, A replaced by T.
Protein change: p.Ile298Phe; replaces isoleucine 298 with phenylalanine.
Molecular consequence: missense variant.
Genome position (GRCh38, 1-based): chr6:161,569,396, T>A on the plus strand (A>T on the coding strand, the complement: PRKN is on the minus strand). VCF-style: chr6-161569396-T-A. GRCh37 (hg19) VCF-style: chr6-161990428-T-A.
Other names: c.808A>T, p.Ile270Phe (NM_013987.3); c.445A>T, p.Ile149Phe (NM_013988.3); short protein forms I149F, I270F, I298F.
Identifiers: ClinVar variation 906229 (VCV000906229.4), dbSNP rs1273010274, ClinGen allele CA366459551.